The following is an entry in ClinVar:

NM_016011.5(MECR):c.604C>T (p.Gln202Ter)

Gene: MECR (mitochondrial trans-2-enoyl-CoA reductase; minus strand). Cytogenetic location: 1p35.3.
Variant type: single nucleotide variant.
Coding change: c.604C>T on transcript NM_016011.5 (MANE Select); coding-DNA position 604, C replaced by T.
Protein change: p.Gln202Ter; replaces glutamine 202 with a stop codon.
Molecular consequence: nonsense. On other transcripts: non-coding transcript variant (3).
Genome position (GRCh38, 1-based): chr1:29,203,180, G>A on the plus strand (C>T on the coding strand, the complement: MECR is on the minus strand). VCF-style: chr1-29203180-G-A. GRCh37 (hg19) VCF-style: chr1-29529692-G-A.
Other names: c.376C>T, p.Gln126Ter (NM_001024732.4, NM_001349711.2, NM_001349712.2 and 2 more transcripts); c.709C>T, p.Gln237Ter (NM_001349715.2); c.688C>T, p.Gln230Ter (NM_001349716.2); c.454C>T, p.Gln152Ter (NM_001349717.2); short protein forms Q126*, Q152*, Q202*, Q230*, Q237*.
Identifiers: ClinVar variation 2829450 (VCV002829450.3), dbSNP rs1162224576, ClinGen allele CA339542695.

ClinVar aggregate classification (germline): Pathogenic (1 of 4 stars; one submission).

Allele frequency attached by ClinVar (database versions not stated): gnomAD 0.00001.

Submission:

Labcorp Genetics (formerly Invitae), Labcorp
Classification: Pathogenic. Last evaluated: 2023-07-08. Review status: criteria provided, single submitter. Criteria: Invitae Variant Classification Sherloc (09022015). Collection method: clinical testing. Allele origin: germline.
Comment: For these reasons, this variant has been classified as Pathogenic. This variant has not been reported in the literature in individuals affected with MECR-related conditions. This variant is present in population databases (no rsID available, gnomAD 0.01%). This sequence change creates a premature translational stop signal (p.Gln202*) in the MECR gene. It is expected to result in an absent or disrupted protein product. Loss-of-function variants in MECR are known to be pathogenic (PMID: 27817865).

Literature cited by the submitters: PubMed 27817865.